The following is an entry in ClinVar:

ClinVar aggregate classification (germline): Uncertain significance (1 of 4 stars; one submission).

Allele frequency attached by ClinVar (database versions not stated): gnomAD exomes below 0.00001; ExAC 0.00001.
gnomAD v4.1: 4 of 1,597,516 alleles (0.00025%); highest among the groups gnomAD compares: Non-Finnish European, 0.00026%; no homozygotes.

Submission:

Labcorp Genetics (formerly Invitae), Labcorp
Classification: Uncertain significance. Last evaluated: 2021-08-20. Review status: criteria provided, single submitter. Criteria: Invitae Variant Classification Sherloc (09022015). Collection method: clinical testing. Allele origin: germline.
Comment: This sequence change replaces aspartic acid with histidine at codon 293 of the PEX3 protein (p.Asp293His). The aspartic acid residue is highly conserved and there is a moderate physicochemical difference between aspartic acid and histidine. This variant is present in population databases (rs781311884, ExAC 0.002%). This variant has not been reported in the literature in individuals affected with PEX3-related conditions. Algorithms developed to predict the effect of missense changes on protein structure and function are either unavailable or do not agree on the potential impact of this missense change (SIFT: "Deleterious"; PolyPhen-2: "Probably Damaging"; Align-GVGD: "Class C0"). In summary, the available evidence is currently insufficient to determine the role of this variant in disease. Therefore, it has been classified as a Variant of Uncertain Significance.

NM_003630.3(PEX3):c.877G>C (p.Asp293His)

Gene: PEX3 (peroxisomal biogenesis factor 3; plus strand). Cytogenetic location: 6q24.2.
Variant type: single nucleotide variant.
Coding change: c.877G>C on transcript NM_003630.3 (MANE Select); coding-DNA position 877, G replaced by C.
Protein change: p.Asp293His; replaces aspartic acid 293 with histidine.
Molecular consequence: missense variant.
Genome position (GRCh38, 1-based): chr6:143,479,134, G>C. VCF-style: chr6-143479134-G-C. GRCh37 (hg19) VCF-style: chr6-143800271-G-C.
Other names: short protein forms D293H.
Identifiers: ClinVar variation 1491146 (VCV001491146.5), dbSNP rs781311884, ClinGen allele CA4029696.